The following is an entry in ClinVar:

ClinVar aggregate classification (germline): Uncertain significance (1 of 4 stars; one submission).

Conditions:
POLD1-related polyposis and colorectal cancer syndrome (CRCS10). Also called: Colorectal cancer 10; COLORECTAL CANCER, SUSCEPTIBILITY TO, ON CHROMOSOME 19q; Colorectal cancer, susceptibility to, 10. Identifiers: Orphanet 220460, MedGen C2675481, MONDO:0012953, OMIM 612591.

gnomAD v4.1: 1 of 1,614,040 alleles (0.000062%); no homozygotes.

Submission:

Labcorp Genetics (formerly Invitae), Labcorp
Classification: Uncertain significance for POLD1-related polyposis and colorectal cancer syndrome. Last evaluated: 2025-06-09. Review status: criteria provided, single submitter. Criteria: Invitae Variant Classification Sherloc (09022015). Collection method: clinical testing. Allele origin: germline.
Comment: This sequence change replaces histidine, which is basic and polar, with tyrosine, which is neutral and polar, at codon 142 of the POLD1 protein (p.His142Tyr). This variant is not present in population databases (gnomAD no frequency). This variant has not been reported in the literature in individuals affected with POLD1-related conditions. ClinVar contains an entry for this variant (Variation ID: 2864302). Invitae Evidence Modeling of protein sequence and biophysical properties (such as structural, functional, and spatial information, amino acid conservation, physicochemical variation, residue mobility, and thermodynamic stability) indicates that this missense variant is not expected to disrupt POLD1 protein function with a negative predictive value of 80%. In summary, the available evidence is currently insufficient to determine the role of this variant in disease. Therefore, it has been classified as a Variant of Uncertain Significance.

NM_002691.4(POLD1):c.424C>T (p.His142Tyr)

Gene: POLD1 (DNA polymerase delta 1, catalytic subunit; plus strand). Cytogenetic location: 19q13.33.
Variant type: single nucleotide variant.
Coding change: c.424C>T on transcript NM_002691.4 (MANE Select); coding-DNA position 424, C replaced by T.
Protein change: p.His142Tyr; replaces histidine 142 with tyrosine.
Molecular consequence: missense variant. On other transcripts: non-coding transcript variant (1).
Genome position (GRCh38, 1-based): chr19:50,401,885, C>T. VCF-style: chr19-50401885-C-T. GRCh37 (hg19) VCF-style: chr19-50905142-C-T.
Other names: c.424C>T, p.His142Tyr (NM_001256849.1, NM_001308632.1); short protein forms H142Y.
Identifiers: ClinVar variation 2864302 (VCV002864302.3), dbSNP rs2513956304, ClinGen allele CA406972604.